The following is an entry in ClinVar:

ClinVar aggregate classification (germline): Uncertain significance (1 of 4 stars; one submission).

Allele frequency attached by ClinVar (database versions not stated): TOPMed 0.00001.
gnomAD v4.1: 3 of 1,614,128 alleles (0.00019%); highest among the groups gnomAD compares: African/African-American, 0.004%; no homozygotes.

Submission:

Labcorp Genetics (formerly Invitae), Labcorp
Classification: Uncertain significance. Last evaluated: 2020-08-26. Review status: criteria provided, single submitter. Criteria: Invitae Variant Classification Sherloc (09022015). Collection method: clinical testing. Allele origin: germline.
Comment: In summary, the available evidence is currently insufficient to determine the role of this variant in disease. Therefore, it has been classified as a Variant of Uncertain Significance. Algorithms developed to predict the effect of missense changes on protein structure and function are either unavailable or do not agree on the potential impact of this missense change (SIFT: "Deleterious"; PolyPhen-2: "Possibly Damaging"; Align-GVGD: "Class C0"). This variant has not been reported in the literature in individuals with DHX38-related conditions. This variant is not present in population databases (ExAC no frequency). This sequence change replaces glutamine with histidine at codon 530 of the DHX38 protein (p.Gln530His). The glutamine residue is highly conserved and there is a small physicochemical difference between glutamine and histidine.

NM_014003.4(DHX38):c.1590G>C (p.Gln530His)

Gene: DHX38 (DEAH-box helicase 38; plus strand). Cytogenetic location: 16q22.2.
Variant type: single nucleotide variant.
Coding change: c.1590G>C on transcript NM_014003.4 (MANE Select); coding-DNA position 1590, G replaced by C.
Protein change: p.Gln530His; replaces glutamine 530 with histidine.
Molecular consequence: missense variant.
Genome position (GRCh38, 1-based): chr16:72,103,164, G>C. VCF-style: chr16-72103164-G-C. GRCh37 (hg19) VCF-style: chr16-72137063-G-C.
Other names: short protein forms Q530H.
Identifiers: ClinVar variation 1042155 (VCV001042155.7), dbSNP rs751635490, ClinGen allele CA283682617.